The following is an entry in ClinVar:

ClinVar aggregate classification (germline): Uncertain significance (0 of 4 stars; one submission).

Conditions:
ADCY3-related disorder. Also called: ADCY3-related condition.

gnomAD v4.1: 15 of 1,614,098 alleles (0.00093%); highest among the groups gnomAD compares: African/African-American, 0.0013%; no homozygotes.

Submission:

PreventionGenetics, part of Exact Sciences
Classification: Uncertain significance for ADCY3-related condition. Last evaluated: 2024-02-09. Review status: no assertion criteria provided. Collection method: clinical testing. Allele origin: germline.
Comment: The ADCY3 c.2261A>G variant is predicted to result in the amino acid substitution p.Tyr754Cys. To our knowledge, this variant has not been reported in the literature. This variant is reported in 0.011% of alleles in individuals of African descent in gnomAD. At this time, the clinical significance of this variant is uncertain due to the absence of conclusive functional and genetic evidence.

NM_004036.5(ADCY3):c.2261A>G (p.Tyr754Cys)

Gene: ADCY3 (adenylate cyclase 3; minus strand). Cytogenetic location: 2p23.3.
Variant type: single nucleotide variant.
Coding change: c.2261A>G on transcript NM_004036.5 (MANE Select); coding-DNA position 2261, A replaced by G.
Protein change: p.Tyr754Cys; replaces tyrosine 754 with cysteine.
Molecular consequence: missense variant. On other transcripts: intron variant (2).
Genome position (GRCh38, 1-based): chr2:24,828,073, T>C on the plus strand (A>G on the coding strand, the complement: ADCY3 is on the minus strand). VCF-style: chr2-24828073-T-C. GRCh37 (hg19) VCF-style: chr2-25050942-T-C.
Other names: c.2261A>G, p.Tyr754Cys (NM_001320613.2, NM_001377132.1); c.2327A>G, p.Tyr776Cys (NM_001377128.1); c.1538A>G, p.Tyr513Cys (NM_001377131.1); c.2172+2636A>G (NM_001377130.1); c.2173-50A>G (NM_001377129.1); short protein forms Y513C, Y754C, Y776C.
Identifiers: ClinVar variation 3355046 (VCV003355046.1).